The following is an entry in ClinVar:

ClinVar aggregate classification (germline): Benign (0 of 4 stars; one submission).

Conditions:
PRKCB-related disorder. Also called: PRKCB-related condition.

Submission:

PreventionGenetics, part of Exact Sciences
Classification: Benign for PRKCB-related condition. Last evaluated: 2019-06-15. Review status: no assertion criteria provided. Collection method: clinical testing. Allele origin: germline.
Comment: This variant is classified as benign based on ACMG/AMP sequence variant interpretation guidelines (Richards et al. 2015 PMID: 25741868, with internal and published modifications).

NM_002738.7(PRKCB):c.1332-10_1332-9del

Gene: PRKCB (protein kinase C beta; plus strand). Cytogenetic location: 16p12.2.
Variant type: Deletion.
Coding change: c.1332-10_1332-9del on transcript NM_002738.7 (MANE Select); 10 bases into the intron before coding-DNA position 1332 through 9 bases into the intron before coding-DNA position 1332, 2 bases deleted (TT; older notation c.1332-10_1332-9delTT).
Molecular consequence: intron variant.
Genome position (GRCh38, 1-based): chr16:24,174,508-24,174,509, TT deleted; deleting any 2 consecutive bases within chr16:24,174,495-24,174,509 gives the same sequence; the c. name uses the placement nearest the transcript's 3' end. VCF-style (leftmost placement, unchanged base first): chr16-24174494-CTT-C. GRCh37 (hg19) VCF-style: chr16-24185815-CTT-C.
Other names: c.1332-10_1332-9del (NM_212535.3).
Identifiers: ClinVar variation 3055344 (VCV003055344.2), dbSNP rs72154122, ClinGen allele CA7966469.
Genomic context (GRCh38, chr16:24,174,494, plus strand): 5'-CAATATTGTATTGAATTCTGAGCATTGCCAAGCATATGGTGTCCTTGAGTTTCTCCATCG[CTT>C]TTTTTTTTTTTTTAATTTCAGATTTTACGCTGCAGAAATTGCCATCGGTCTGTTCTTCTT-3'